The following is an entry in ClinVar:

NM_001563.4(IMPG1):c.815A>G (p.Lys272Arg)

Gene: IMPG1 (interphotoreceptor matrix proteoglycan 1; minus strand). Cytogenetic location: 6q14.1.
Variant type: single nucleotide variant.
Coding change: c.815A>G on transcript NM_001563.4 (MANE Select); coding-DNA position 815, A replaced by G.
Protein change: p.Lys272Arg; replaces lysine 272 with arginine.
Molecular consequence: missense variant.
Genome position (GRCh38, 1-based): chr6:76,011,217, T>C on the plus strand (A>G on the coding strand, the complement: IMPG1 is on the minus strand). VCF-style: chr6-76011217-T-C. GRCh37 (hg19) VCF-style: chr6-76720934-T-C.
Other names: c.581A>G, p.Lys194Arg (NM_001282368.2); short protein forms K272R, K194R.
Identifiers: ClinVar variation 4776160 (VCV004776160.1).
Genomic context (GRCh38, chr6:76,011,217, plus strand): 5'-CTTACTTACCTAAATCCTAACACATGGATTTTTTTGAATCCTGGAAGTTTCTTAAATATC[T>C]TTTGCATCTGCAGAGAGAAAGAAATTTGTAAAATACTCTTTGGTTCTGCTGGGTCAGTTC-3'
Protein context (NP_001554.2, residues 262-282): LAGKSQLQMQ[Lys272Arg]IFKKLPGFKK

ClinVar aggregate classification (germline): Uncertain significance (1 of 4 stars; one submission).

gnomAD v4.1: 1 of 1,542,250 alleles (0.000065%); highest among the groups gnomAD compares: Admixed American, 0.0017%; no homozygotes.

Submission:

Labcorp Genetics (formerly Invitae), Labcorp
Classification: Uncertain significance. Last evaluated: 2025-03-13. Review status: criteria provided, single submitter. Criteria: Invitae Variant Classification Sherloc (09022015). Collection method: clinical testing. Allele origin: germline.
Comment: This sequence change replaces lysine, which is basic and polar, with arginine, which is basic and polar, at codon 272 of the IMPG1 protein (p.Lys272Arg). This variant is not present in population databases (gnomAD no frequency). This variant has not been reported in the literature in individuals affected with IMPG1-related conditions. An algorithm developed to predict the effect of missense changes on protein structure and function (PolyPhen-2) suggests that this variant is likely to be disruptive. In summary, the available evidence is currently insufficient to determine the role of this variant in disease. Therefore, it has been classified as a Variant of Uncertain Significance.